The following is an entry in ClinVar:

ClinVar aggregate classification (germline): Likely pathogenic. Review status: criteria provided, multiple submitters, no conflicts (2 of 4 stars). 2 submissions from 2 submitters: Likely pathogenic (2). Last evaluated 2024-06-25.

Conditions:
Primary ciliary dyskinesia. Also called: Ciliary dyskinesia. Identifiers: Orphanet 244, MedGen C0008780, MONDO:0016575, HP:0012265.
Retinitis pigmentosa 3. Also called: CHOROIDORETINAL DEGENERATION WITH RETINAL REFLEX IN HETEROZYGOUS WOMEN. Identifiers: Orphanet 791, MedGen C1845667, MONDO:0010227, OMIM 300029.

Submissions (2):

Division of Genetic & Genomic Pathology, Hong Kong Children's Hospital
Classification: Likely pathogenic for Retinitis pigmentosa 3. Last evaluated: 2024-06-25. Review status: criteria provided, single submitter. Criteria: ACMG Guidelines, 2015. Collection method: clinical testing. Allele origin: germline. Affected: yes.
Comment: RPGR c.442G>A p.(Gly148Arg) is a missense variant located in exon 5 (out of 15 exons). The variant is absent from control populations (gnomAD v2.1.1 and v4.1.0). The variant is reported de novo by a single submitter in ClinVar as likely pathogenic (Accession: VCV000863896.8). In-silico predictions suggest that this variant is deleterious (REVEL score 0.97). Another variant affecting the same amino acid, c.443G>T p.(Gly148Val), is reported as pathogenic (PMID: 25366773). For these reasons, the variant is classified as likely pathogenic.

Labcorp Genetics (formerly Invitae), Labcorp
Classification: Likely pathogenic for Primary ciliary dyskinesia. Last evaluated: 2019-09-24. Review status: criteria provided, single submitter. Criteria: Invitae Variant Classification Sherloc (09022015). Collection method: clinical testing. Allele origin: germline.
Comment: This variant is not present in population databases (ExAC no frequency). This sequence change replaces glycine with arginine at codon 148 of the RPGR protein (p.Gly148Arg). The glycine residue is highly conserved and there is a moderate physicochemical difference between glycine and arginine. Algorithms developed to predict the effect of missense changes on protein structure and function are either unavailable or do not agree on the potential impact of this missense change (SIFT: "Deleterious"; PolyPhen-2: "Probably Damaging"; Align-GVGD: "Class C15"). In summary, the currently available evidence indicates that the variant is pathogenic, but additional data are needed to prove that conclusively. Therefore, this variant has been classified as Likely Pathogenic.

Literature cited by the submitters: PubMed 25366773 (cited by Division of Genetic & Genomic Pathology, Hong Kong Children's Hospital).

NM_001034853.2(RPGR):c.442G>A (p.Gly148Arg)

Gene: RPGR (retinitis pigmentosa GTPase regulator; minus strand). Cytogenetic location: Xp11.4.
Variant type: single nucleotide variant.
Coding change: c.442G>A on transcript NM_001034853.2 (MANE Select); coding-DNA position 442, G replaced by A.
Protein change: p.Gly148Arg; replaces glycine 148 with arginine.
Molecular consequence: missense variant. On other transcripts: non-coding transcript variant (6).
Genome position (GRCh38, 1-based): chrX:38,318,856, C>T on the plus strand (G>A on the coding strand, the complement: RPGR is on the minus strand). VCF-style: chrX-38318856-C-T. GRCh37 (hg19) VCF-style: chrX-38178109-C-T.
Other names: c.442G>A, p.Gly148Arg (NM_000328.3, NM_001367245.1, NM_001367246.1 and 3 more transcripts); c.472G>A, p.Gly158Arg (NM_001367248.1); c.439G>A, p.Gly147Arg (NM_001367249.1); short protein forms G148R, G147R, G158R.
Identifiers: ClinVar variation 863896 (VCV000863896.11), dbSNP rs2067876063, ClinGen allele CA412745042.
Genomic context (GRCh38, chrX:38,318,856, plus strand): 5'-TGTGTCCCAGACTGAAAAAGAAACAAGTCTCACCAGTTAGGGCAGCTGAAGTATTAGATC[C>T]AGCAGACAGCTGCTTAATCTTATGCTCGGATGTAAAAAAGCTAATTACATGAAAAGTGTT-3'
Protein context (NP_001030025.1, residues 138-158): SEHKIKQLSA[Gly148Arg]SNTSAALTED